The following is an entry in ClinVar:

NM_138422.4(ADAT3):c.319G>A (p.Glu107Lys)

Genes: ADAT3 (adenosine deaminase tRNA specific 3; plus strand), SCAMP4 (secretory carrier membrane protein 4; plus strand). Cytogenetic location: 19p13.3.
Variant type: single nucleotide variant.
Coding change: c.319G>A on transcript NM_138422.4 (MANE Select); coding-DNA position 319, G replaced by A.
Protein change: p.Glu107Lys; replaces glutamic acid 107 with lysine.
Molecular consequence: missense variant. On other transcripts: intron variant (3).
Genome position (GRCh38, 1-based): chr19:1,912,366, G>A. VCF-style: chr19-1912366-G-A. GRCh37 (hg19) VCF-style: chr19-1912365-G-A.
Other names: c.271G>A, p.Glu91Lys (NM_001329533.2); c.-41-2613G>A (NM_079834.4, NM_001329540.2); c.-125-5328G>A (NM_001329539.2); short protein forms E107K, E91K.
Identifiers: ClinVar variation 3362399 (VCV003362399.2).

ClinVar aggregate classification (germline): Likely pathogenic (1 of 4 stars; one submission).

Conditions:
Intellectual disability-strabismus syndrome (NEDBGF). Also called: NEURODEVELOPMENTAL DISORDER WITH BRAIN ABNORMALITIES, POOR GROWTH, AND DYSMORPHIC FACIES. Identifiers: Orphanet 363528, MedGen C4750838, MONDO:0014119, OMIM 615286.

Submission:

Medical Molecular Genetics Department, National Research Center
Classification: Likely pathogenic for Intellectual disability-strabismus syndrome. Last evaluated: 2024-10-01. Review status: criteria provided, single submitter. Criteria: ACMG Guidelines, 2015. Collection method: clinical testing. Allele origin: germline. Affected: yes.
Comment: According to insilico studies, the variant is classified as un certain significant variant, however by applying ACMG guidelines: our study patient’s clinical phenotype is typically correlated to the disease (PP4), and affected individuals are from two unrelated families have shown the same disease phenotypes and the same homozygous variant , yet it showed an extremely low frequency in gnomAD population databases (PS4) additionally, by segregation analysis: two affected sibling showed the same variant at the homozygous status, while their healthy sibling showed the wild genotype as well as parents showed the heterozygous status (PP1). accordind to this data it is considered as likely pathogenic by ACMG guidlines.